The following is an entry in ClinVar:

NM_001166108.2(PALLD):c.3079C>G (p.Pro1027Ala)

Genes: CBR4 (carbonyl reductase 4; minus strand), PALLD (palladin, cytoskeletal associated protein; plus strand). Cytogenetic location: 4q32.3.
Variant type: single nucleotide variant.
Coding change: c.3079C>G on transcript NM_001166108.2 (MANE Select); coding-DNA position 3079, C replaced by G.
Protein change: p.Pro1027Ala; replaces proline 1027 with alanine.
Molecular consequence: missense variant.
Genome position (GRCh38, 1-based): chr4:168,924,275, C>G. VCF-style: chr4-168924275-C-G. GRCh37 (hg19) VCF-style: chr4-169845426-C-G.
Other names: c.1882C>G, p.Pro628Ala (NM_001166109.2); c.1567C>G, p.Pro523Ala (NM_001166110.2); c.907C>G, p.Pro303Ala (NM_001367567.1, NM_001367569.1); c.958C>G, p.Pro320Ala (NM_001367568.1, NM_001367570.1); c.3028C>G, p.Pro1010Ala (NM_016081.4); short protein forms P1027A, P523A, P1010A, P320A, P303A, P628A.
Identifiers: ClinVar variation 2448489 (VCV002448489.2), dbSNP rs1762157666, ClinGen allele CA358711726.
Genomic context (GRCh38, chr4:168,924,275, plus strand): 5'-TGTATATCATTGATAGAGAATTCATCTCATGTTTTCTTAGCTAAAGAAGCACACAAACCC[C>G]CTGTGTTTATTGAGAAGCTCCAAAACACAGGAGTTGCTGATGGGTACCCAGTGCGGCTGG-3'
Protein context (NP_001159580.1, residues 1017-1037): VVAAKEAHKP[Pro1027Ala]VFIEKLQNTG

ClinVar aggregate classification (germline): Uncertain significance (1 of 4 stars; one submission).

gnomAD v4.1: 1 of 1,613,946 alleles (0.000062%); highest among the groups gnomAD compares: South Asian, 0.0011%; no homozygotes.

Submission:

Ambry Genetics
Classification: Uncertain significance. Last evaluated: 2023-02-04. Review status: criteria provided, single submitter. Criteria: Ambry Variant Classification Scheme 2023. Collection method: clinical testing. Allele origin: germline.
Comment: The p.P1010A variant (also known as c.3028C>G), located in coding exon 17 of the PALLD gene, results from a C to G substitution at nucleotide position 3028. The proline at codon 1010 is replaced by alanine, an amino acid with highly similar properties. This amino acid position is conserved. In addition, this alteration is predicted to be deleterious by in silico analysis. Since supporting evidence is limited at this time, the clinical significance of this alteration remains unclear.